The following is an entry in ClinVar:

ClinVar aggregate classification (germline): Uncertain significance (1 of 4 stars; one submission).

gnomAD v4.1: 3 of 1,613,824 alleles (0.00019%); highest among the groups gnomAD compares: Non-Finnish European, 0.00017%; no homozygotes.

Submission:

Mayo Clinic Laboratories, Mayo Clinic
Classification: Uncertain significance. Last evaluated: 2024-08-21. Review status: criteria provided, single submitter. Criteria: ACMG Guidelines, 2015. Collection method: clinical testing. Allele origin: germline. Observed: 1 variant allele.
Comment: PM2

NM_001267550.2(TTN):c.93260A>C (p.Tyr31087Ser)

Genes: TTN (titin; minus strand), TTN-AS1 (TTN antisense RNA 1; plus strand). Cytogenetic location: 2q31.2.
Variant type: single nucleotide variant.
Coding change: c.93260A>C on transcript NM_001267550.2 (MANE Select); coding-DNA position 93260, A replaced by C.
Protein change: p.Tyr31087Ser; replaces tyrosine 31087 with serine.
Molecular consequence: missense variant.
Genome position (GRCh38, 1-based): chr2:178,548,366, T>G on the plus strand (A>C on the coding strand, the complement: TTN is on the minus strand). VCF-style: chr2-178548366-T-G. GRCh37 (hg19) VCF-style: chr2-179413093-T-G.
Other names: p.Tyr29446Ser; c.88337A>C, p.Tyr29446Ser (NM_001256850.1); c.66065A>C, p.Tyr22022Ser (NM_003319.4); c.85556A>C, p.Tyr28519Ser (NM_133378.4); c.66440A>C, p.Tyr22147Ser (NM_133432.3); c.66641A>C, p.Tyr22214Ser (NM_133437.4); short protein forms Y22022S, Y22147S, Y22214S, Y28519S, Y29446S, Y31087S.
Identifiers: ClinVar variation 3380860 (VCV003380860.1).
Genomic context (GRCh38, chr2:178,548,366, plus strand): 5'-GGTTCTGGCATTTCATAGGGCTCACCAACACCATACTCATTTACTGCAGAAACACGGAAA[T>G]AGTACGGAACACCTTCGGCCAGGTCATTGACCTTGAAGATCTGACGAGTGCATTTTTCAC-3'
Protein context (NP_001254479.2, residues 31077-31097): VNDLAEGVPY[Tyr31087Ser]FRVSAVNEYG